The following is an entry in ClinVar:

NM_015331.3(NCSTN):c.1893G>C (p.Leu631Phe)

Gene: NCSTN (nicastrin; plus strand). Cytogenetic location: 1q23.2.
Variant type: single nucleotide variant.
Coding change: c.1893G>C on transcript NM_015331.3 (MANE Select); coding-DNA position 1893, G replaced by C.
Protein change: p.Leu631Phe; replaces leucine 631 with phenylalanine.
Molecular consequence: missense variant. On other transcripts: intron variant (1).
Genome position (GRCh38, 1-based): chr1:160,357,139, G>C. VCF-style: chr1-160357139-G-C. GRCh37 (hg19) VCF-style: chr1-160326929-G-C.
Other names: c.1833G>C, p.Leu611Phe (NM_001290184.2); c.1479G>C, p.Leu493Phe (NM_001290186.2); c.1794+385G>C (NM_001349729.2); short protein forms L611F, L631F, L493F.
Identifiers: ClinVar variation 1519787 (VCV001519787.8), dbSNP rs1017285908, ClinGen allele CA343283317.
Genomic context (GRCh38, chr1:160,357,139, plus strand): 5'-TAATGAGACGGACCGACTCCCCCGGTGTGTGCGTTCTACTGCACGATTAGCCAGGGCCTT[G>C]TCTCCTGCCTTTGAACTGAGTCAGTGGAGCTCTACTGAATACTCTACATGGACTGAGAGC-3'
Protein context (NP_056146.1, residues 621-641): VRSTARLARA[Leu631Phe]SPAFELSQWS

ClinVar aggregate classification (germline): Uncertain significance (1 of 4 stars; one submission).

Submission:

Labcorp Genetics (formerly Invitae), Labcorp
Classification: Uncertain significance. Last evaluated: 2021-07-17. Review status: criteria provided, single submitter. Criteria: Invitae Variant Classification Sherloc (09022015). Collection method: clinical testing. Allele origin: germline.
Comment: This sequence change replaces leucine with phenylalanine at codon 631 of the NCSTN protein (p.Leu631Phe). The leucine residue is moderately conserved and there is a small physicochemical difference between leucine and phenylalanine. This variant is not present in population databases (ExAC no frequency). This variant has not been reported in the literature in individuals affected with NCSTN-related conditions. Algorithms developed to predict the effect of missense changes on protein structure and function (SIFT, PolyPhen-2, Align-GVGD) all suggest that this variant is likely to be tolerated. In summary, the available evidence is currently insufficient to determine the role of this variant in disease. Therefore, it has been classified as a Variant of Uncertain Significance.